The following is an entry in ClinVar:

ClinVar aggregate classification (germline): Likely benign (0 of 4 stars; one submission).

Conditions:
PTPRS-related disorder. Also called: PTPRS-related condition.

Allele frequency attached by ClinVar (database versions not stated): ExAC 0.00005; ESP Exome Variant Server 0.00031.
gnomAD v4.1: 81 of 1,613,236 alleles (0.005%); highest among the groups gnomAD compares: African/African-American, 0.089%; no homozygotes.

Submission:

PreventionGenetics, part of Exact Sciences
Classification: Likely benign for PTPRS-related condition. Last evaluated: 2019-06-17. Review status: no assertion criteria provided. Collection method: clinical testing. Allele origin: germline.
Comment: This variant is classified as likely benign based on ACMG/AMP sequence variant interpretation guidelines (Richards et al. 2015 PMID: 25741868, with internal and published modifications).

NM_002850.4(PTPRS):c.5778+7A>C

Gene: PTPRS (protein tyrosine phosphatase receptor type S; minus strand). Cytogenetic location: 19p13.3.
Variant type: single nucleotide variant.
Coding change: c.5778+7A>C on transcript NM_002850.4 (MANE Select); 7 bases into the intron after coding-DNA position 5778, A replaced by C.
Molecular consequence: intron variant.
Genome position (GRCh38, 1-based): chr19:5,207,915, T>G on the plus strand (A>C on the coding strand, the complement: PTPRS is on the minus strand). VCF-style: chr19-5207915-T-G. GRCh37 (hg19) VCF-style: chr19-5207926-T-G.
Other names: c.4437+7A>C (NM_130853.3); c.5652+7A>C (NM_001394013.1); c.5664+7A>C (NM_130854.3); c.5712+7A>C (NM_001394011.1); c.5691+7A>C (NM_001394012.1); c.4449+7A>C (NM_130855.3).
Identifiers: ClinVar variation 3034275 (VCV003034275.2), dbSNP rs113193640, ClinGen allele CA9108637.